The following is an entry in ClinVar:

NM_001385012.1(NBEA):c.7332G>A (p.Met2444Ile)

Gene: NBEA (neurobeachin; plus strand). Cytogenetic location: 13q13.3.
Variant type: single nucleotide variant.
Coding change: c.7332G>A on transcript NM_001385012.1 (MANE Select); coding-DNA position 7332, G replaced by A.
Protein change: p.Met2444Ile; replaces methionine 2444 with isoleucine.
Molecular consequence: missense variant.
Genome position (GRCh38, 1-based): chr13:35,606,461, G>A. VCF-style: chr13-35606461-G-A. GRCh37 (hg19) VCF-style: chr13-36180598-G-A.
Other names: c.711G>A, p.Met237Ile (NM_001204197.3); c.7323G>A, p.Met2441Ile (NM_001379245.1); c.7332G>A, p.Met2444Ile (NM_015678.5); short protein forms M237I, M2441I, M2444I.
Identifiers: ClinVar variation 4281946 (VCV004281946.1).
Genomic context (GRCh38, chr13:35,606,461, plus strand): 5'-TATGCTTCATTTTTATTCCTGATAGGAACTAATTCCAGAGTTCTACTACCTACCAGAGAT[G>A]TTTGTCAACAGTAATGGATATAATCTTGGAGTCAGAGAAGATGAAGTAGTGGTAAATGAT-3'
Protein context (NP_001371941.1, residues 2434-2454): LIPEFYYLPE[Met2444Ile]FVNSNGYNLG

ClinVar aggregate classification (germline): Uncertain significance (1 of 4 stars; one submission).

Submission:

GeneDx
Classification: Uncertain significance. Last evaluated: 2025-04-07. Review status: criteria provided, single submitter. Criteria: GeneDx Variant Classification Process June 2021. Collection method: clinical testing. Allele origin: germline. Affected: yes.
Comment: Not observed at significant frequency in large population cohorts (gnomAD); In silico analysis supports that this missense variant has a deleterious effect on protein structure/function; Has not been previously published as pathogenic or benign to our knowledge